The following is an entry in ClinVar:

ClinVar aggregate classification (germline): Uncertain significance (0 of 4 stars; one submission).

Conditions:
ATR-related disorder. Also called: ATR-related condition.

gnomAD v4.1: 6 of 1,613,866 alleles (0.00037%); highest among the groups gnomAD compares: Admixed American, 0.0033%; no homozygotes.

Submission:

PreventionGenetics, part of Exact Sciences
Classification: Uncertain significance for ATR-related condition. Last evaluated: 2024-04-09. Review status: no assertion criteria provided. Collection method: clinical testing. Allele origin: germline.
Comment: The ATR c.4220A>G variant is predicted to result in the amino acid substitution p.Tyr1407Cys. To our knowledge, this variant has not been reported in the literature. This variant is reported in 0.0029% of alleles in individuals of Latino descent in gnomAD. At this time, the clinical significance of this variant is uncertain due to the absence of conclusive functional and genetic evidence.

NM_001184.4(ATR):c.4220A>G (p.Tyr1407Cys)

Gene: ATR (ATR serine/threonine kinase; minus strand). Cytogenetic location: 3q23.
Variant type: single nucleotide variant.
Coding change: c.4220A>G on transcript NM_001184.4 (MANE Select); coding-DNA position 4220, A replaced by G.
Protein change: p.Tyr1407Cys; replaces tyrosine 1407 with cysteine.
Molecular consequence: missense variant.
Genome position (GRCh38, 1-based): chr3:142,522,774, T>C on the plus strand (A>G on the coding strand, the complement: ATR is on the minus strand). VCF-style: chr3-142522774-T-C. GRCh37 (hg19) VCF-style: chr3-142241616-T-C.
Other names: c.4028A>G, p.Tyr1343Cys (NM_001354579.2); short protein forms Y1343C, Y1407C.
Identifiers: ClinVar variation 3356520 (VCV003356520.1).